The following is an entry in ClinVar:

ClinVar aggregate classification (germline): Uncertain significance (1 of 4 stars; one submission).

Conditions:
KLF1-related disorder. Also called: KLF1-related condition; KLF1-Related Disorders.

Submission:

PreventionGenetics, part of Exact Sciences
Classification: Uncertain significance for KLF1-related condition. Last evaluated: 2023-02-16. Review status: criteria provided, single submitter. Criteria: ACMG Guidelines, 2015. Collection method: clinical testing. Allele origin: germline.
Comment: The KLF1 c.109C>A variant is predicted to result in the amino acid substitution p.Gln37Lys. To our knowledge, this variant has not been reported in the literature or in a large population database, indicating this variant is rare. At this time, the clinical significance of this variant is uncertain due to the absence of conclusive functional and genetic evidence.

NM_006563.5(KLF1):c.109C>A (p.Gln37Lys)

Genes: KLF1 (KLF transcription factor 1; minus strand), LOC117125592 (CRISPRi-FlowFISH-validated CALR, DHPS, JUNB, PRDX2, RAD23A, RNASEH2A and WDR83OS regulatory element; plus strand). Cytogenetic location: 19p13.13.
Variant type: single nucleotide variant.
Coding change: c.109C>A on transcript NM_006563.5 (MANE Select); coding-DNA position 109, C replaced by A.
Protein change: p.Gln37Lys; replaces glutamine 37 with lysine.
Molecular consequence: missense variant.
Genome position (GRCh38, 1-based): chr19:12,886,121, G>T on the plus strand (C>A on the coding strand, the complement: KLF1 is on the minus strand). VCF-style: chr19-12886121-G-T. GRCh37 (hg19) VCF-style: chr19-12996935-G-T.
Other names: short protein forms Q37K.
Identifiers: ClinVar variation 2630623 (VCV002630623.1), dbSNP rs755193431, ClinGen allele CA404310617.